The following is an entry in ClinVar:

NM_000069.3(CACNA1S):c.1873A>G (p.Met625Val)

Gene: CACNA1S (calcium voltage-gated channel subunit alpha1 S; minus strand). Cytogenetic location: 1q32.1.
Variant type: single nucleotide variant.
Coding change: c.1873A>G on transcript NM_000069.3 (MANE Select); coding-DNA position 1873, A replaced by G.
Protein change: p.Met625Val; replaces methionine 625 with valine.
Molecular consequence: missense variant.
Genome position (GRCh38, 1-based): chr1:201,075,570, T>C on the plus strand (A>G on the coding strand, the complement: CACNA1S is on the minus strand). VCF-style: chr1-201075570-T-C. GRCh37 (hg19) VCF-style: chr1-201044698-T-C.
Other names: c.1873A>G (NM_000069.2); short protein forms M625V.
Identifiers: ClinVar variation 2073405 (VCV002073405.5), dbSNP rs537783893, ClinGen allele CA078633.

ClinVar aggregate classification (germline): Conflicting classifications of pathogenicity. Review status: criteria provided, conflicting classifications (1 of 4 stars). 2 submissions from 2 submitters: Uncertain significance (1); Likely benign (1). Last evaluated 2026-04-13.

Conditions:
Malignant hyperthermia, susceptibility to, 5 (MHS5). Also called: CACNA1S-Related Malignant Hyperthermia Susceptibility. Identifiers: Orphanet 423, MedGen C1866077, MONDO:0011163, OMIM 601887.
Hypokalemic periodic paralysis, type 1. Also called: Hypokalemic Periodic Paralysis Type 1 (AD); HypoPP. Identifiers: Orphanet 681, MedGen C3714580, MONDO:0042979, OMIM 170400.

Allele frequency attached by ClinVar (database versions not stated): gnomAD 0.00001; 1000 Genomes Project 30x 0.00016; ExAC 0.00002; TOPMed below 0.00001; 1000 Genomes Project 0.00020.
gnomAD v4.1: 7 of 1,613,724 alleles (0.00043%); highest among the groups gnomAD compares: African/African-American, 0.0013%; no homozygotes.

Submissions (2):

GeneDx
Classification: Uncertain significance. Last evaluated: 2026-04-13. Review status: criteria provided, single submitter. Criteria: GeneDx Variant Classification Process June 2021. Collection method: clinical testing. Allele origin: germline.
Comment: In silico analysis supports that this missense variant has a deleterious effect on protein structure/function; Has not been previously published as pathogenic or benign to our knowledge

Labcorp Genetics (formerly Invitae), Labcorp
Classification: Likely benign for Hypokalemic periodic paralysis, type 1; Malignant hyperthermia, susceptibility to, 5. Last evaluated: 2023-03-22. Review status: criteria provided, single submitter. Criteria: Invitae Variant Classification Sherloc (09022015). Collection method: clinical testing. Allele origin: germline.